The following is an entry in ClinVar:

ClinVar aggregate classification (germline): Uncertain significance (1 of 4 stars; one submission).

Conditions:
Very long chain acyl-CoA dehydrogenase deficiency (ACADVLD). Also called: Very Long-Chain Acyl-Coenzyme A Dehydrogenase Deficiency; VLCAD Deficiency. Identifiers: Orphanet 26793, MedGen C3887523, MONDO:0008723, OMIM 201475.

gnomAD v4.1: 48 of 1,613,950 alleles (0.003%); highest among the groups gnomAD compares: Non-Finnish European, 0.004%; no homozygotes.

Submission:

Labcorp Genetics (formerly Invitae), Labcorp
Classification: Uncertain significance for Very long chain acyl-CoA dehydrogenase deficiency. Last evaluated: 2022-09-27. Review status: criteria provided, single submitter. Criteria: Invitae Variant Classification Sherloc (09022015). Collection method: clinical testing. Allele origin: germline.
Comment: In summary, the available evidence is currently insufficient to determine the role of this variant in disease. Therefore, it has been classified as a Variant of Uncertain Significance. Advanced modeling of protein sequence and biophysical properties (such as structural, functional, and spatial information, amino acid conservation, physicochemical variation, residue mobility, and thermodynamic stability) performed at Invitae indicates that this missense variant is expected to disrupt ACADVL protein function. ClinVar contains an entry for this variant (Variation ID: 852414). This variant has not been reported in the literature in individuals affected with ACADVL-related conditions. This variant is present in population databases (no rsID available, gnomAD 0.0009%). This sequence change replaces valine, which is neutral and non-polar, with leucine, which is neutral and non-polar, at codon 387 of the ACADVL protein (p.Val387Leu).

NM_000018.4(ACADVL):c.1159G>C (p.Val387Leu)

Gene: ACADVL (acyl-CoA dehydrogenase very long chain; plus strand). Cytogenetic location: 17p13.1.
Variant type: single nucleotide variant.
Coding change: c.1159G>C on transcript NM_000018.4 (MANE Select); coding-DNA position 1159, G replaced by C.
Protein change: p.Val387Leu; replaces valine 387 with leucine.
Molecular consequence: missense variant.
Genome position (GRCh38, 1-based): chr17:7,223,214, G>C. VCF-style: chr17-7223214-G-C. GRCh37 (hg19) VCF-style: chr17-7126533-G-C.
Other names: c.1093G>C, p.Val365Leu (NM_001033859.3); c.1228G>C, p.Val410Leu (NM_001270447.2); c.931G>C, p.Val311Leu (NM_001270448.2); short protein forms V311L, V365L, V387L, V410L.
Identifiers: ClinVar variation 852414 (VCV000852414.7), dbSNP rs1422904205, ClinGen allele CA397724478.